The following is an entry in ClinVar:

ClinVar aggregate classification (germline): Uncertain significance (1 of 4 stars; one submission).

Conditions:
Familial thoracic aortic aneurysm and aortic dissection (TAAD). Also called: Thoracic aortic aneurysms and dissections. Identifiers: Orphanet 91387, MedGen C4707243, MONDO:0019625.

Submission:

Ambry Genetics
Classification: Uncertain significance for Familial thoracic aortic aneurysm and aortic dissection. Last evaluated: 2025-03-23. Review status: criteria provided, single submitter. Criteria: Ambry Variant Classification Scheme 2023. Collection method: clinical testing. Allele origin: germline.
Comment: The p.N363S variant (also known as c.1088A>G), located in coding exon 10 of the PLOD1 gene, results from an A to G substitution at nucleotide position 1088. The asparagine at codon 363 is replaced by serine, an amino acid with highly similar properties. This amino acid position is conserved. In addition, the in silico prediction for this alteration is inconclusive. Based on the available evidence, the clinical significance of this variant remains unclear.

NM_000302.4(PLOD1):c.1088A>G (p.Asn363Ser)

Gene: PLOD1 (procollagen-lysine,2-oxoglutarate 5-dioxygenase 1; plus strand). Cytogenetic location: 1p36.22.
Variant type: single nucleotide variant.
Coding change: c.1088A>G on transcript NM_000302.4 (MANE Select); coding-DNA position 1088, A replaced by G.
Protein change: p.Asn363Ser; replaces asparagine 363 with serine.
Molecular consequence: missense variant.
Genome position (GRCh38, 1-based): chr1:11,960,758, A>G. VCF-style: chr1-11960758-A-G. GRCh37 (hg19) VCF-style: chr1-12020815-A-G.
Other names: c.1229A>G, p.Asn410Ser (NM_001316320.2); short protein forms N410S, N363S.
Identifiers: ClinVar variation 3934558 (VCV003934558.1).
Genomic context (GRCh38, chr1:11,960,758, plus strand): 5'-AGTACCAGTCTGTGAAGCTGGTGGGCCCTGAGGTGCGGATGGCGAATGCAGATGCCAGGA[A>G]CATGGGCGCGTGAGTTGTGGGCCACAGTACTCTCCACTGACAGTGGGGGCAGGGGAGCTG-3'
Protein context (NP_000293.2, residues 353-373): EVRMANADAR[Asn363Ser]MGADLCRQDR